The following is an entry in ClinVar:

NM_001040142.2(SCN2A):c.3973-1G>A

Gene: SCN2A (sodium voltage-gated channel alpha subunit 2; plus strand). Cytogenetic location: 2q24.3.
Variant type: single nucleotide variant.
Coding change: c.3973-1G>A on transcript NM_001040142.2 (MANE Select); the canonical splice acceptor site of the intron before coding-DNA position 3973, G replaced by A.
Molecular consequence: splice acceptor variant.
Genome position (GRCh38, 1-based): chr2:165,374,684, G>A. VCF-style: chr2-165374684-G-A. GRCh37 (hg19) VCF-style: chr2-166231194-G-A.
Other names: c.3973-1G>A (NM_001040143.2, NM_001371246.1, NM_001371247.1 and 1 more transcripts).
Identifiers: ClinVar variation 3907757 (VCV003907757.2).
Genomic context (GRCh38, chr2:165,374,684, plus strand): 5'-AAAAATAAGTAAATATTTGTTGTTGGCTTTTCACTTATTTTTCCTTCTCATCCTGTGCCA[G>A]GTTGTTGTAAATGCTCTTTTAGGAGCCATTCCATCTATCATGAATGTACTTCTGGTTTGT-3'

ClinVar aggregate classification (germline): Pathogenic (1 of 4 stars; one submission).

gnomAD v4.1: 1 of 1,612,986 alleles (0.000062%); highest among the groups gnomAD compares: Non-Finnish European, 0.000085%; no homozygotes.

Submission:

GeneDx
Classification: Pathogenic. Last evaluated: 2026-09-01. Review status: criteria provided, single submitter. Criteria: GeneDx Variant Classification Process June 2021. Collection method: clinical testing. Allele origin: germline.
Comment: Canonical splice site variant predicted to result in an in-frame loss of the adjacent exon in a gene for which loss of function is a known mechanism of disease; Deletions involving coding exons of this gene are a known mechanism of disease (HGMD); Not observed at significant frequency in large population cohorts (gnomAD); Has not been previously published as pathogenic or benign to our knowledge